The following is an entry in ClinVar:

ClinVar aggregate classification (germline): Likely benign (0 of 4 stars; one submission).

Conditions:
FGFR1-related disorder. Also called: FGFR1-related disorders; FGFR1-related condition. Identifiers: MedGen CN380097.

Allele frequency attached by ClinVar (database versions not stated): TOPMed below 0.00001; gnomAD 0.00002; gnomAD exomes 0.00004; ExAC 0.00013; 1000 Genomes Project 30x 0.00016; 1000 Genomes Project 0.00020.
gnomAD v4.1: 56 of 1,614,178 alleles (0.0035%); highest among the groups gnomAD compares: South Asian, 0.061%; 1 homozygote.

Submission:

PreventionGenetics, part of Exact Sciences
Classification: Likely benign for FGFR1-related condition. Last evaluated: 2020-03-17. Review status: no assertion criteria provided. Collection method: clinical testing. Allele origin: germline.
Comment: This variant is classified as likely benign based on ACMG/AMP sequence variant interpretation guidelines (Richards et al. 2015 PMID: 25741868, with internal and published modifications).

NM_023110.3(FGFR1):c.2346C>T (p.Asp782=)

Gene: FGFR1 (fibroblast growth factor receptor 1; minus strand). Cytogenetic location: 8p11.23.
Variant type: single nucleotide variant.
Coding change: c.2346C>T on transcript NM_023110.3 (MANE Select); coding-DNA position 2346, C replaced by T.
Protein change: p.Asp782=; no amino-acid change (aspartic acid 782 retained).
Molecular consequence: synonymous variant. On other transcripts: intron variant (3).
Genome position (GRCh38, 1-based): chr8:38,413,751, G>A on the plus strand (C>T on the coding strand, the complement: FGFR1 is on the minus strand). VCF-style: chr8-38413751-G-A. GRCh37 (hg19) VCF-style: chr8-38271269-G-A.
Other names: c.2340C>T, p.Asp780= (NM_001174063.2, NM_001174065.2, NM_015850.4); c.2316C>T, p.Asp772= (NM_001174064.2); c.2079C>T, p.Asp693= (NM_001174066.2, NM_023105.3); c.2439C>T, p.Asp813= (NM_001174067.2); c.2067C>T, p.Asp689= (NM_001354368.2); c.2334C>T, p.Asp778= (NM_001410922.1); c.2073C>T, p.Asp691= (NM_023106.3); c.2019+167C>T (NM_001354370.2); and 3 more.
Identifiers: ClinVar variation 3057253 (VCV003057253.2), dbSNP rs574034006, ClinGen allele CA4718094.